The following is an entry in ClinVar:

NM_000152.5(GAA):c.1951_1982delinsT (p.Leu650_Gly651insTer)

Gene: GAA (alpha glucosidase; plus strand). Cytogenetic location: 17q25.3.
Variant type: Indel.
Coding change: c.1951_1982delinsT on transcript NM_000152.5 (MANE Select); coding-DNA positions 1951 to 1982, the reference bases replaced by T.
Protein change: p.Leu650_Gly651insTer.
Molecular consequence: nonsense.
Genome position (GRCh38, 1-based): chr17:80,112,938-80,112,969, 32 bases replaced. GRCh37 (hg19): chr17:78,086,737-78,086,768.
Other names: c.1951_1982delinsT, p.Leu650_Gly651insTer (NM_001079803.3, NM_001079804.3, NM_001406741.1 and 1 more transcripts).
Identifiers: ClinVar variation 4876528 (VCV004876528.1).
Genomic context (GRCh38, chr17:80,112,938, plus strand): 5'-ATCCTGCAGTTTAACCTGCTGGGGGTGCCTCTGGTCGGGGCCGACGTCTGCGGCTTCCTG[GGCAACACCTCAGAGGAGCTGTGTGTGCGCTG>T]GACCCAGCTGGGGGCCTTCTACCCCTTCATGCGGAACCACAACAGCCTGCTCAGTCTGGT-3'

ClinVar aggregate classification (germline): Pathogenic (1 of 4 stars; one submission).

Conditions:
Glycogen storage disease, type II (IOPD). Also called: Pompe Disease; CARDIOMEGALIA GLYCOGENICA DIFFUSA; GLYCOGENOSIS, GENERALIZED, CARDIAC FORM; GSD II; POMPE DISEASE, INFANTILE-ONSET; GLYCOGEN STORAGE DISEASE II, INFANTILE-ONSET. Identifiers: Orphanet 365, MedGen C0017921, MONDO:0009290, OMIM 232300.

Submission:

Genomenon, Inc
Classification: Pathogenic for Glycogen storage disease, type II. Last evaluated: 2026-07-01. Review status: criteria provided, single submitter. Criteria: Genomenon Sequence Variant Interpretation Standards - Updated. Collection method: curation. Allele origin: germline. Affected: yes.
Comment: GAA p.Gly651Ter (c.1951_1982delinsT) is a nonsense variant that introduces a premature stop codon at amino acid position 651 and is predicted to result in a truncated or absent protein product. This variant has been observed in at least one proband with a GAA-related disorder (PMID:36805083). It is absent or not present at a significant frequency in gnomAD. In conclusion, we classify GAA p.Gly651Ter (c.1951_1982delinsT) as a pathogenic variant.

Literature cited by the submitters: PubMed 36805083.